The following is an entry in ClinVar:

NM_001369268.1(ACAN):c.2024G>T (p.Arg675Leu)

Gene: ACAN (aggrecan; plus strand). Cytogenetic location: 15q26.1.
Variant type: single nucleotide variant.
Coding change: c.2024G>T on transcript NM_001369268.1 (MANE Select); coding-DNA position 2024, G replaced by T.
Protein change: p.Arg675Leu; replaces arginine 675 with leucine.
Molecular consequence: missense variant.
Genome position (GRCh38, 1-based): chr15:88,849,729, G>T. VCF-style: chr15-88849729-G-T. GRCh37 (hg19) VCF-style: chr15-89392960-G-T.
Other names: c.2024G>T, p.Arg675Leu (NM_001135.4, NM_001411096.1, NM_001411097.1 and 1 more transcripts); short protein forms R675L.
Identifiers: ClinVar variation 4766011 (VCV004766011.1).

ClinVar aggregate classification (germline): Uncertain significance (1 of 4 stars; one submission).

gnomAD v4.1: 8 of 1,613,530 alleles (0.0005%); highest among the groups gnomAD compares: East Asian, 0.018%; no homozygotes.

Submission:

Labcorp Genetics (formerly Invitae), Labcorp
Classification: Uncertain significance. Last evaluated: 2025-06-22. Review status: criteria provided, single submitter. Criteria: Invitae Variant Classification Sherloc (09022015). Collection method: clinical testing. Allele origin: germline.
Comment: This sequence change replaces arginine, which is basic and polar, with leucine, which is neutral and non-polar, at codon 675 of the ACAN protein (p.Arg675Leu). This variant is present in population databases (rs35102652, gnomAD 0.02%). This variant has not been reported in the literature in individuals affected with ACAN-related conditions. Experimental studies and prediction algorithms are not available or were not evaluated, and the functional significance of this variant is currently unknown. In summary, the available evidence is currently insufficient to determine the role of this variant in disease. Therefore, it has been classified as a Variant of Uncertain Significance.